The following is an entry in ClinVar:

ClinVar aggregate classification (germline): Uncertain significance (1 of 4 stars; one submission).

Submission:

Labcorp Genetics (formerly Invitae), Labcorp
Classification: Uncertain significance. Last evaluated: 2024-12-23. Review status: criteria provided, single submitter. Criteria: Invitae Variant Classification Sherloc (09022015). Collection method: clinical testing. Allele origin: germline.
Comment: This sequence change replaces leucine, which is neutral and non-polar, with phenylalanine, which is neutral and non-polar, at codon 522 of the STAT4 protein (p.Leu522Phe). This variant is not present in population databases (gnomAD no frequency). This variant has not been reported in the literature in individuals affected with STAT4-related conditions. Invitae Evidence Modeling of protein sequence and biophysical properties (such as structural, functional, and spatial information, amino acid conservation, physicochemical variation, residue mobility, and thermodynamic stability) indicates that this missense variant is not expected to disrupt STAT4 protein function with a negative predictive value of 80%. In summary, the available evidence is currently insufficient to determine the role of this variant in disease. Therefore, it has been classified as a Variant of Uncertain Significance.

NM_003151.4(STAT4):c.1564C>T (p.Leu522Phe)

Gene: STAT4 (signal transducer and activator of transcription 4; minus strand). Cytogenetic location: 2q32.2.
Variant type: single nucleotide variant.
Coding change: c.1564C>T on transcript NM_003151.4 (MANE Select); coding-DNA position 1564, C replaced by T.
Protein change: p.Leu522Phe; replaces leucine 522 with phenylalanine.
Molecular consequence: missense variant.
Genome position (GRCh38, 1-based): chr2:191,036,170, G>A on the plus strand (C>T on the coding strand, the complement: STAT4 is on the minus strand). VCF-style: chr2-191036170-G-A. GRCh37 (hg19) VCF-style: chr2-191900896-G-A.
Other names: c.1564C>T, p.Leu522Phe (NM_001243835.2); short protein forms L522F.
Identifiers: ClinVar variation 3686629 (VCV003686629.2).